The following is an entry in ClinVar:

ClinVar aggregate classification (germline): Pathogenic. Review status: reviewed by expert panel (3 of 4 stars). 65 submissions from 62 submitters: Pathogenic (1). 64 of the submissions do not count toward it. Last evaluated 2016-04-22.

Conditions:
Hereditary breast ovarian cancer syndrome. Also called: Breast and ovarian cancer; Hereditary breast and ovarian cancer; Hereditary breast and ovarian cancer syndrome (HBOC); Hereditary breast and ovarian cancer syndrome; BRCA1- and BRCA2-Associated Hereditary Breast and Ovarian Cancer; Hereditary breast and/or ovarian cancer syndrome. Identifiers: Orphanet 145, MedGen C0677776, MeSH D061325, MONDO:0003582. Disease mechanism: loss of function.
Fanconi anemia complementation group D1. Also called: BRCA2-Related Fanconi Anemia. Identifiers: Orphanet 319462, MedGen C1838457, MONDO:0011584, OMIM 605724.
Inherited ovarian cancer (without breast cancer).
Inherited breast cancer and ovarian cancer.
Pancreatic cancer, susceptibility to, 2. Identifiers: Orphanet 1333, MedGen C3150546, MONDO:0013235, OMIM 613347.
Glioma susceptibility 3 (GLM3). Also called: Glioblastoma 3. Identifiers: Orphanet 182067, Orphanet 360, MedGen C2751641, MONDO:0013093, OMIM 613029.
Familial prostate cancer. Also called: Hereditary Prostate Cancer. Identifiers: MedGen C2931456, MONDO:0700275, OMIM 176807.
Breast-ovarian cancer, familial, susceptibility to, 2 (BROVCA2). Also called: BRCA2 Hereditary Breast and Ovarian Cancer. Identifiers: Orphanet 145, MedGen C2675520, MONDO:0012933, OMIM 612555. Disease mechanism: loss of function.
Medulloblastoma (MDB). Also called: Medulloblastoma, somatic; MEDULLOBLASTOMA PREDISPOSITION SYNDROME. Identifiers: Orphanet 616, MedGen C0025149, MeSH D008527, MONDO:0007959, OMIM 155255, HP:0002885.
Wilms tumor 1 (WT1). Also called: Wilms tumor, somatic. Identifiers: Orphanet 654, MedGen CN033288, MONDO:0008679, OMIM 194070.
Familial cancer of breast. Also called: BREAST CANCER, FAMILIAL; hereditary breast carcinoma; Hereditary breast cancer. Identifiers: Orphanet 227535, MedGen C0346153, MONDO:0016419, OMIM 114480. Disease mechanism: loss of function.
BRCA2-related cancer predisposition. Identifiers: MedGen CN377758, MONDO:0700269.
BRCA2-related disorder. Also called: BRCA2-related condition; BRCA2-related disorders. Identifiers: MedGen CN239275.
Breast and/or ovarian cancer. Identifiers: MedGen CN221562.
Rhabdomyosarcoma. Also called: Rhabdomyosarcoma (disease). Identifiers: Orphanet 780, MedGen C0035412, MeSH D012208, MONDO:0005212, HP:0002859.
Gastric cancer. Also called: Malignant tumor of stomach; Stomach cancer. Identifiers: MedGen C0024623, MeSH D013274, MONDO:0001056, OMIM 613659, HP:0012126.
Hereditary cancer-predisposing syndrome. Also called: Neoplastic Syndromes, Hereditary; Tumor predisposition; Hereditary Cancer Syndrome; Hereditary neoplastic syndrome. Identifiers: Orphanet 140162, MedGen C0027672, MeSH D009386, MONDO:0015356.
Ovarian neoplasm. Also called: Ovarian Neoplasms; Ovarian tumor; Neoplasm of ovary. Identifiers: MedGen C0919267, MeSH D010051, MONDO:0021068, HP:0100615.
Breast-ovarian cancer, familial, susceptibility to, 1 (BROVCA1). Also called: BRCA1 Hereditary Breast and Ovarian Cancer; OVARIAN CANCER, SUSCEPTIBILITY TO. Identifiers: Orphanet 145, MedGen C2676676, MONDO:0011450, OMIM 604370. Disease mechanism: loss of function.
Malignant tumor of breast. Also called: Cancer breast; Malignant breast neoplasm. Identifiers: MedGen C0006142, MONDO:0007254. Disease mechanism: loss of function.
Breast carcinoma. Also called: Carcinoma of breast. Identifiers: MedGen C0678222, MONDO:0004989, HP:0003002.

Submissions 1 to 11 of 65:

Evidence-based Network for the Interpretation of Germline Mutant Alleles (ENIGMA)
Classification: Pathogenic for Breast-ovarian cancer, familial, susceptibility to, 2. Last evaluated: 2016-04-22. Review status: reviewed by expert panel. Criteria: ENIGMA BRCA1/2 Classification Criteria (2015). Collection method: curation. Allele origin: germline.
Comment: Variant allele predicted to encode a truncated non-functional protein.

PreventionGenetics, part of Exact Sciences
Classification: Pathogenic for BRCA2-related condition. Last evaluated: 2026-08-21. Review status: criteria provided, single submitter. Criteria: ACMG Guidelines, 2015. Collection method: clinical testing. Allele origin: germline. Not counted in ClinVar's aggregate classification.
Comment: The BRCA2 c.3847_3848delGT variant is predicted to result in a frameshift and premature protein termination (p.Val1283Lysfs*2). This variant, also documented as 4075delGT in the literature, has been reported in individuals with breast and/or ovarian cancer (Tavtigian et al. 1996. PubMed ID: 8589730; Zhang et al. 2011. PubMed ID: 21324516; Janavičius. 2010. PubMed ID: 23199084). This variant was also found to segregate with cancer in a family with colorectal cancer type X and prostate cancer (Garre et al. 2015. PubMed ID: 24814045), and it was reported in an additional individual with a personal and family history of prostate cancer (Kote-Jarai et al. 2011. PubMed ID: 21952622). This variant is reported in 0.0098% of alleles in individuals of European (Non-Finnish) descent in gnomAD. This variant has been reported in the ClinVar database as pathogenic and reviewed by an expert panel (Variation ID: 37859). In summary, this variant is interpreted as pathogenic.

Genomics and Molecular Medicine Service, East Genomic Laboratory Hub, NHS Genomic Medicine Service
Classification: Pathogenic for Inherited ovarian cancer (without breast cancer). Last evaluated: 2026-08-11. Review status: criteria provided, single submitter. Criteria: ACGS Best Practice Guidelines for Variant Classification in Rare Disease 2020. Collection method: clinical testing. Allele origin: germline. Affected: yes. Not counted in ClinVar's aggregate classification.
Comment: PVS1,PS4_Very Strong,PM5_Strong

CeGaT Center for Human Genetics Tuebingen
Classification: Pathogenic. Last evaluated: 2026-08-01. Review status: criteria provided, single submitter. Criteria: CeGaT Center For Human Genetics Tuebingen Variant Classification Criteria Version 2. Collection method: clinical testing. Allele origin: germline. Affected: yes. Observed: 13 variant alleles. Not counted in ClinVar's aggregate classification.
Comment: BRCA2: PVS1, PS4:Moderate, PM2:Supporting

Praxis Für Humangenetik, Biosciencia MVZ Labor Saar
Classification: Pathogenic for Hereditary cancer-predisposing syndrome. Last evaluated: 2026-07-22. Review status: criteria provided, single submitter. Criteria: ACMG Guidelines, 2015. Collection method: clinical testing. Allele origin: germline. Affected: yes. Not counted in ClinVar's aggregate classification.
Comment: PVS1, PS4, PM2

Institute of Human Genetics, University of Leipzig Medical Center
Classification: Pathogenic for Breast-ovarian cancer, familial, susceptibility to, 1. Last evaluated: 2026-06-08. Review status: criteria provided, single submitter. Criteria: ACMG Guidelines, 2015. Collection method: clinical testing. Allele origin: unknown. Inheritance: Autosomal dominant inheritance. Affected: yes. Not counted in ClinVar's aggregate classification.
Comment: Criteria applied: PVS1,PM5_STR,PM3_SUP

Genetics Laboratory, Great Ormond Street Hospital NHS Foundation Trust, North Thames Genomic Laboratory Hub
Classification: Pathogenic for Inherited ovarian cancer (without breast cancer). Last evaluated: 2026-04-21. Review status: criteria provided, single submitter. Criteria: CanVIG BRCA Gene Specific V1.22. Collection method: clinical testing. Allele origin: germline. Affected: yes. Not counted in ClinVar's aggregate classification.
Comment: PS4_very-strong, PVS1_very-strong, PM5_strong, PP1_strong

Genetics Laboratory, Great Ormond Street Hospital NHS Foundation Trust, North Thames Genomic Laboratory Hub
Classification: Pathogenic for Inherited breast cancer and ovarian cancer. Last evaluated: 2026-04-21. Review status: criteria provided, single submitter. Criteria: CanVIG BRCA Gene Specific V1.22. Collection method: clinical testing. Allele origin: germline. Affected: yes. Not counted in ClinVar's aggregate classification.
Comment: the same text as in the submission from Genetics Laboratory, Great Ormond Street Hospital NHS Foundation Trust, North Thames Genomic Laboratory Hub above.

Institute of Human Genetics, University of Leipzig Medical Center
Classification: Pathogenic for Breast-ovarian cancer, familial, susceptibility to, 2. Last evaluated: 2026-02-03. Review status: criteria provided, single submitter. Criteria: ACMG Guidelines, 2015. Collection method: clinical testing. Allele origin: unknown. Inheritance: Autosomal dominant inheritance. Affected: yes. Not counted in ClinVar's aggregate classification.
Comment: the same text as in the submission from Institute of Human Genetics, University of Leipzig Medical Center above.

Labcorp Genetics (formerly Invitae), Labcorp
Classification: Pathogenic for Hereditary breast ovarian cancer syndrome. Last evaluated: 2026-01-19. Review status: criteria provided, single submitter. Criteria: Invitae Variant Classification Sherloc (09022015). Collection method: clinical testing. Allele origin: germline. Not counted in ClinVar's aggregate classification.
Comment: This sequence change creates a premature translational stop signal (p.Val1283Lysfs*2) in the BRCA2 gene. It is expected to result in an absent or disrupted protein product. Loss-of-function variants in BRCA2 are known to be pathogenic (PMID: 20104584). This variant is present in population databases (rs746229647, gnomAD 0.008%). This premature translational stop signal has been observed in individual(s) with breast, ovarian, colorectal, prostate and other cancers (PMID: 8589730, 21324516, 21952622, 23199084, 24814045). It is commonly reported in individuals of Scandanavian ancestry (PMID: 23199084). This variant is also known as 4075delGT. ClinVar contains an entry for this variant (Variation ID: 37859). For these reasons, this variant has been classified as Pathogenic.

Center for Genomic Medicine, Rigshospitalet, Copenhagen University Hospital
Classification: Pathogenic. Last evaluated: 2025-12-29. Review status: criteria provided, single submitter. Criteria: ACMG Guidelines, 2015. Collection method: clinical testing. Allele origin: germline. Not counted in ClinVar's aggregate classification.
Comment: Classification criteria: PVS1, PM5_strong

NM_000059.4(BRCA2):c.3847_3848del (p.Val1283fs)

Gene: BRCA2 (BRCA2 DNA repair associated; plus strand). Cytogenetic location: 13q13.1.
Variant type: Deletion.
Coding change: c.3847_3848del on transcript NM_000059.4 (MANE Select); coding-DNA positions 3847 to 3848, 2 bases deleted (GT; older notation c.3847_3848delGT).
Protein change: p.Val1283fs; shifts the reading frame from valine 1283.
Molecular consequence: frameshift variant.
Genome position (GRCh38, 1-based): chr13:32,338,202-32,338,203, GT deleted; deleting any 2 consecutive bases within chr13:32,338,201-32,338,203 gives the same sequence; the c. name uses the placement nearest the transcript's 3' end. VCF-style (leftmost placement, unchanged base first): chr13-32338200-CTG-C. GRCh37 (hg19) VCF-style: chr13-32912337-CTG-C.
Other names: 4075_4076delGT; 4075delGT; c.3847_3848delGT (NM_000059.3).
Identifiers: ClinVar variation 37859 (VCV000037859.143), dbSNP rs80359405, ClinGen allele CA018922.
Genomic context (GRCh38, chr13:32,338,200, plus strand): 5'-CAAGTAAATGTCATGATTCTGTTGTTTCAATGTTTAAGATAGAAAATCATAATGATAAAA[CTG>C]TAAGTGAAAAAAATAATAAATGCCAACTGATATTACAAAATAATATTGAAATGACTACTG-3'